The following is an entry in ClinVar:

NM_006231.4(POLE):c.5228A>T (p.His1743Leu)

Gene: POLE (DNA polymerase epsilon, catalytic subunit; minus strand). Cytogenetic location: 12q24.33.
Variant type: single nucleotide variant.
Coding change: c.5228A>T on transcript NM_006231.4 (MANE Select); coding-DNA position 5228, A replaced by T.
Protein change: p.His1743Leu; replaces histidine 1743 with leucine.
Molecular consequence: missense variant.
Genome position (GRCh38, 1-based): chr12:132,641,797, T>A on the plus strand (A>T on the coding strand, the complement: POLE is on the minus strand). VCF-style: chr12-132641797-T-A. GRCh37 (hg19) VCF-style: chr12-133218383-T-A.
Other names: short protein forms H1743L.
Identifiers: ClinVar variation 1746182 (VCV001746182.2), dbSNP rs751529788, ClinGen allele CA6892589.
Genomic context (GRCh38, chr12:132,641,797, plus strand): 5'-TGCTGGATCACGTCGAAGCTGATCCCCATGCTGTCGGCCCCCTCCATGTCGTTGACATGG[T>A]GAGACTGGAGAATGGTGTTGACGGCCAGGTTCTGAAGGTCCAGCTCCACACACACTGCAC-3'
Protein context (NP_006222.2, residues 1733-1753): NLAVNTILQS[His1743Leu]HVNDMEGADS

ClinVar aggregate classification (germline): Uncertain significance (1 of 4 stars; one submission).

Conditions:
Hereditary cancer-predisposing syndrome. Also called: Hereditary Cancer Syndrome; Neoplastic Syndromes, Hereditary; Tumor predisposition; Hereditary neoplastic syndrome. Identifiers: Orphanet 140162, MedGen C0027672, MeSH D009386, MONDO:0015356.

Allele frequency attached by ClinVar (database versions not stated): gnomAD exomes below 0.00001; ExAC 0.00001.
gnomAD v4.1: 1 of 1,605,836 alleles (0.000062%); highest among the groups gnomAD compares: Non-Finnish European, 0.000085%; no homozygotes.

Submission:

Ambry Genetics
Classification: Uncertain significance for Hereditary cancer-predisposing syndrome. Last evaluated: 2022-03-01. Review status: criteria provided, single submitter. Criteria: Ambry Variant Classification Scheme 2023. Collection method: clinical testing. Allele origin: germline.
Comment: The p.H1743L variant (also known as c.5228A>T), located in coding exon 39 of the POLE gene, results from an A to T substitution at nucleotide position 5228. The histidine at codon 1743 is replaced by leucine, an amino acid with similar properties. This amino acid position is conserved. In addition, this alteration is predicted to be tolerated by in silico analysis. Since supporting evidence is limited at this time, the clinical significance of this alteration remains unclear.